The following is an entry in ClinVar:

ClinVar aggregate classification (germline): Uncertain significance (1 of 4 stars; one submission).

Conditions:
Holocarboxylase synthetase deficiency. Also called: MULTIPLE CARBOXYLASE DEFICIENCY, EARLY ONSET. Identifiers: Orphanet 79242, MedGen C0268581, MONDO:0009666, OMIM 253270.

Allele frequency attached by ClinVar (database versions not stated): ExAC 0.00001; gnomAD exomes 0.00002.
gnomAD v4.1: 23 of 1,612,564 alleles (0.0014%); highest among the groups gnomAD compares: Admixed American, 0.0033%; no homozygotes.

Submission:

Labcorp Genetics (formerly Invitae), Labcorp
Classification: Uncertain significance for Holocarboxylase synthetase deficiency. Last evaluated: 2025-01-13. Review status: criteria provided, single submitter. Criteria: Invitae Variant Classification Sherloc (09022015). Collection method: clinical testing. Allele origin: germline.
Comment: This sequence change replaces glutamine, which is neutral and polar, with histidine, which is basic and polar, at codon 673 of the HLCS protein (p.Gln673His). This variant is present in population databases (rs772486641, gnomAD 0.006%). This variant has not been reported in the literature in individuals affected with HLCS-related conditions. ClinVar contains an entry for this variant (Variation ID: 2161466). Invitae Evidence Modeling of protein sequence and biophysical properties (such as structural, functional, and spatial information, amino acid conservation, physicochemical variation, residue mobility, and thermodynamic stability) has been performed for this missense variant. However, the output from this modeling did not meet the statistical confidence thresholds required to predict the impact of this variant on HLCS protein function. In summary, the available evidence is currently insufficient to determine the role of this variant in disease. Therefore, it has been classified as a Variant of Uncertain Significance.

NM_001352514.2(HLCS):c.2460A>C (p.Gln820His)

Gene: HLCS (holocarboxylase synthetase; minus strand). Cytogenetic location: 21q22.13.
Variant type: single nucleotide variant.
Coding change: c.2460A>C on transcript NM_001352514.2 (MANE Select); coding-DNA position 2460, A replaced by C.
Protein change: p.Gln820His; replaces glutamine 820 with histidine.
Molecular consequence: missense variant. On other transcripts: non-coding transcript variant (2).
Genome position (GRCh38, 1-based): chr21:36,754,408, T>G on the plus strand (A>C on the coding strand, the complement: HLCS is on the minus strand). VCF-style: chr21-36754408-T-G. GRCh37 (hg19) VCF-style: chr21-38126709-T-G.
Other names: c.2019A>C, p.Gln673His (NM_000411.8, NM_001242784.3, NM_001242785.2 and 4 more transcripts); short protein forms Q673H, Q820H.
Identifiers: ClinVar variation 2161466 (VCV002161466.4), dbSNP rs772486641, ClinGen allele CA10020244.